The following is an entry in ClinVar:

ClinVar aggregate classification (germline): Uncertain significance (1 of 4 stars; one submission).

Conditions:
Catecholaminergic polymorphic ventricular tachycardia 1. Also called: RYR2-Related Catecholaminergic Polymorphic Ventricular Tachycardia; VENTRICULAR TACHYCARDIA, CATECHOLAMINERGIC POLYMORPHIC, 1, WITH OR WITHOUT ATRIAL DYSFUNCTION AND/OR DILATED CARDIOMYOPATHY; VENTRICULAR TACHYCARDIA, STRESS-INDUCED POLYMORPHIC 1. Identifiers: Orphanet 3286, MedGen C1631597, MONDO:0011484, OMIM 604772.

Allele frequency attached by ClinVar (database versions not stated): 1000 Genomes Project 30x 0.00016.

Submission:

Labcorp Genetics (formerly Invitae), Labcorp
Classification: Uncertain significance for Catecholaminergic polymorphic ventricular tachycardia 1. Last evaluated: 2021-08-30. Review status: criteria provided, single submitter. Criteria: Invitae Variant Classification Sherloc (09022015). Collection method: clinical testing. Allele origin: germline.
Comment: In summary, the available evidence is currently insufficient to determine the role of this variant in disease. Therefore, it has been classified as a Variant of Uncertain Significance. Algorithms developed to predict the effect of missense changes on protein structure and function are either unavailable or do not agree on the potential impact of this missense change (SIFT: "Deleterious"; PolyPhen-2: "Possibly Damaging"; Align-GVGD: "Class C0"). This variant has not been reported in the literature in individuals affected with TRDN-related conditions. This variant is not present in population databases (ExAC no frequency). This sequence change replaces glutamine with proline at codon 564 of the TRDN protein (p.Gln564Pro). The glutamine residue is moderately conserved and there is a moderate physicochemical difference between glutamine and proline.

NM_006073.4(TRDN):c.1691A>C (p.Gln564Pro)

Gene: TRDN (triadin; minus strand). Cytogenetic location: 6q22.31.
Variant type: single nucleotide variant.
Coding change: c.1691A>C on transcript NM_006073.4 (MANE Select); coding-DNA position 1691, A replaced by C.
Protein change: p.Gln564Pro; replaces glutamine 564 with proline.
Molecular consequence: missense variant.
Genome position (GRCh38, 1-based): chr6:123,271,168, T>G on the plus strand (A>C on the coding strand, the complement: TRDN is on the minus strand). VCF-style: chr6-123271168-T-G. GRCh37 (hg19) VCF-style: chr6-123592313-T-G.
Other names: short protein forms Q564P.
Identifiers: ClinVar variation 1378686 (VCV001378686.7), dbSNP rs768555461, ClinGen allele CA365564525.